The following is an entry in ClinVar:

ClinVar aggregate classification (germline): Likely benign (1 of 4 stars; one submission).

Allele frequency attached by ClinVar (database versions not stated): gnomAD 0.00005; TOPMed 0.00007; gnomAD exomes 0.00008; ExAC 0.00009.
gnomAD v4.1: 122 of 1,608,864 alleles (0.0076%); highest among the groups gnomAD compares: Middle Eastern, 0.017%; no homozygotes.

Submission:

CeGaT Center for Human Genetics Tuebingen
Classification: Likely benign. Last evaluated: 2022-11-01. Review status: criteria provided, single submitter. Criteria: CeGaT Center For Human Genetics Tuebingen Variant Classification Criteria Version 2. Collection method: clinical testing. Allele origin: germline. Affected: yes. Observed: 1 variant allele.
Comment: DUT: BP4, BP7

NM_001025248.2(DUT):c.327G>A (p.Val109=)

Gene: DUT (deoxyuridine triphosphatase; plus strand). Cytogenetic location: 15q21.1.
Variant type: single nucleotide variant.
Coding change: c.327G>A on transcript NM_001025248.2 (MANE Select); coding-DNA position 327, G replaced by A.
Protein change: p.Val109=; no amino-acid change (valine 109 retained).
Molecular consequence: synonymous variant. On other transcripts: 5 prime UTR variant (1).
Genome position (GRCh38, 1-based): chr15:48,332,314, G>A. VCF-style: chr15-48332314-G-A. GRCh37 (hg19) VCF-style: chr15-48624511-G-A.
Other names: c.63G>A, p.Val21= (NM_001948.4); c.-7G>A (NM_001025249.1); c.72G>A, p.Val24= (NM_001330286.2).
Identifiers: ClinVar variation 2645309 (VCV002645309.24), dbSNP rs780081759, ClinGen allele CA7547739.